The following is an entry in ClinVar:

NM_001127222.2(CACNA1A):c.6189+1G>A

Gene: CACNA1A (calcium voltage-gated channel subunit alpha1 A; minus strand). Cytogenetic location: 19p13.13.
Variant type: single nucleotide variant.
Coding change: c.6189+1G>A on transcript NM_001127222.2 (MANE Select); the canonical splice donor site of the intron after coding-DNA position 6189, G replaced by A.
Molecular consequence: splice donor variant.
Genome position (GRCh38, 1-based): chr19:13,212,383, C>T on the plus strand (G>A on the coding strand, the complement: CACNA1A is on the minus strand). VCF-style: chr19-13212383-C-T. GRCh37 (hg19) VCF-style: chr19-13323197-C-T.
Other names: c.6192+1G>A (NM_001127221.2); c.6198+1G>A (NM_001174080.2); c.6207+1G>A (NM_000068.4, NM_023035.3).
Identifiers: ClinVar variation 1683963 (VCV001683963.5), dbSNP rs2144524396, ClinGen allele CA404332597.

ClinVar aggregate classification (germline): Likely pathogenic. Review status: criteria provided, multiple submitters, no conflicts (2 of 4 stars). 2 submissions from 2 submitters: Likely pathogenic (2). Last evaluated 2025-06-03.

Conditions:
Developmental and epileptic encephalopathy, 42 (DEE42A). Also called: DEVELOPMENTAL AND EPILEPTIC ENCEPHALOPATHY 42A; EPILEPTIC ENCEPHALOPATHY, EARLY INFANTILE, 42A; Epileptic encephalopathy, early infantile, 42. Identifiers: MedGen C4310716, MONDO:0014917, OMIM 617106.
Episodic ataxia type 2 (EA2). Also called: ACETAZOLAMIDE-RESPONSIVE HEREDITARY PAROXYSMAL CEREBELLAR ATAXIA; CEREBELLAR ATAXIA, PAROXYSMAL, ACETAZOLAMIDE-RESPONSIVE; CEREBELLOPATHY, HEREDITARY PAROXYSMAL; EPISODIC ATAXIA, NYSTAGMUS-ASSOCIATED; ATAXIA, EPISODIC, WITH NYSTAGMUS; ATAXIA, FAMILIAL PAROXYSMAL. Identifiers: Orphanet 97, MedGen C1720416, MONDO:0007163, OMIM 108500.

Submissions (2):

Labcorp Genetics (formerly Invitae), Labcorp
Classification: Likely pathogenic for Developmental and epileptic encephalopathy, 42; Episodic ataxia type 2. Last evaluated: 2025-06-03. Review status: criteria provided, single submitter. Criteria: Invitae Variant Classification Sherloc (09022015). Collection method: clinical testing. Allele origin: germline.
Comment: This sequence change affects a donor splice site in intron 42 of the CACNA1A gene. It is expected to disrupt RNA splicing. Variants that disrupt the donor or acceptor splice site typically lead to a loss of protein function (PMID: 16199547), and loss-of-function variants in CACNA1A are known to be pathogenic (PMID: 10371528, 19486177, 25735478, 27250579). This variant is not present in population databases (gnomAD no frequency). This variant has not been reported in the literature in individuals affected with CACNA1A-related conditions. ClinVar contains an entry for this variant (Variation ID: 1683963). Algorithms developed to predict the effect of sequence changes on RNA splicing suggest that this variant may disrupt the consensus splice site. In summary, the currently available evidence indicates that the variant is pathogenic, but additional data are needed to prove that conclusively. Therefore, this variant has been classified as Likely Pathogenic.

GeneDx
Classification: Likely pathogenic. Last evaluated: 2023-02-12. Review status: criteria provided, single submitter. Criteria: GeneDx Variant Classification Process June 2021. Collection method: clinical testing. Allele origin: germline. Affected: yes.
Comment: Canonical splice site variant predicted to result in a null allele in a gene for which loss of function is a known mechanism of disease; Not observed at significant frequency in large population cohorts (gnomAD); Has not been previously published as pathogenic or benign to our knowledge

Literature cited by the submitters: PubMed 16199547 (cited by Labcorp Genetics (formerly Invitae), Labcorp); PubMed 10371528 (cited by Labcorp Genetics (formerly Invitae), Labcorp); PubMed 19486177 (cited by Labcorp Genetics (formerly Invitae), Labcorp); PubMed 25735478 (cited by Labcorp Genetics (formerly Invitae), Labcorp); PubMed 27250579 (cited by Labcorp Genetics (formerly Invitae), Labcorp).